The following is an entry in ClinVar:

NM_000238.4(KCNH2):c.1923C>T (p.Ser641=)

Gene: KCNH2 (potassium voltage-gated channel subfamily H member 2; minus strand). Cytogenetic location: 7q36.1.
Variant type: single nucleotide variant.
Coding change: c.1923C>T on transcript NM_000238.4 (MANE Select); coding-DNA position 1923, C replaced by T.
Protein change: p.Ser641=; no amino-acid change (serine 641 retained).
Molecular consequence: synonymous variant. On other transcripts: non-coding transcript variant (2).
Genome position (GRCh38, 1-based): chr7:150,951,470, G>A on the plus strand (C>T on the coding strand, the complement: KCNH2 is on the minus strand). VCF-style: chr7-150951470-G-A. GRCh37 (hg19) VCF-style: chr7-150648558-G-A.
Other names: p.Ser641=; c.903C>T, p.Ser301= (NM_001204798.2, NM_172057.3); c.1635C>T, p.Ser545= (NM_001406753.1, NM_001406756.1); c.1746C>T, p.Ser582= (NM_001406755.1); c.1623C>T, p.Ser541= (NM_001406757.1); c.1923C>T, p.Ser641= (NM_172056.3).
Identifiers: ClinVar variation 456899 (VCV000456899.22), dbSNP rs142249065, ClinGen allele CA029773.

ClinVar aggregate classification (germline): Benign/Likely benign. Review status: criteria provided, multiple submitters, no conflicts (2 of 4 stars). 5 submissions from 5 submitters: Benign (2); Likely benign (3). Last evaluated 2026-01-12.

Conditions:
Cardiovascular phenotype. Identifiers: MedGen CN230736.
Cardiac arrhythmia. Also called: Arrhythmia; Cardiac rhythm disease. Identifiers: MedGen C0003811, MONDO:0007263, HP:0011675.
Long QT syndrome (LQTS). Identifiers: MedGen C0023976, MeSH D008133, MONDO:0002442. Disease mechanism: loss of function. Inheritance: Various modes of inheritance.

Allele frequency attached by ClinVar (database versions not stated): gnomAD exomes 0.00001 and 0.00005; ExAC 0.00005; 1000 Genomes Project 30x 0.00016; gnomAD 0.00019; 1000 Genomes Project 0.00020; ESP Exome Variant Server 0.00023; TOPMed 0.00026.

Submissions (5):

Labcorp Genetics (formerly Invitae), Labcorp
Classification: Likely benign for Long QT syndrome. Last evaluated: 2026-01-12. Review status: criteria provided, single submitter. Criteria: Invitae Variant Classification Sherloc (09022015). Collection method: clinical testing. Allele origin: germline.

Mayo Clinic Laboratories, Mayo Clinic
Classification: Likely benign. Last evaluated: 2025-07-03. Review status: criteria provided, single submitter. Criteria: ACMG Guidelines, 2015. Collection method: clinical testing. Allele origin: germline. Observed: 2 variant alleles.
Comment: BS1, BP4, BP7

All of Us Research Program, National Institutes of Health
Classification: Benign for Long QT syndrome. Last evaluated: 2024-01-11. Review status: criteria provided, single submitter. Criteria: ACMG Guidelines, 2015. Collection method: clinical testing. Allele origin: germline. Inheritance: Autosomal dominant inheritance. Observed: 13 variant alleles, 13 heterozygotes.
Comment: This study involves interpretation of variants in research participants for the purpose of population health screening. Participant phenotype was not available at the time of variant classification. Additional details can be found in publication PMID: 35346344, PMCID: PMC8962531

Color Diagnostics, LLC DBA Color Health
Classification: Benign for Arrhythmia. Last evaluated: 2019-12-30. Review status: criteria provided, single submitter. Criteria: ACMG Guidelines, 2015. Collection method: clinical testing. Allele origin: germline.

Ambry Genetics
Classification: Likely benign for Cardiovascular phenotype. Last evaluated: 2016-12-02. Review status: criteria provided, single submitter. Criteria: Ambry Variant Classification Scheme 2023. Collection method: clinical testing. Allele origin: germline.